The following is an entry in ClinVar:

Single allele

Gene: DMD (dystrophin; minus strand). Cytogenetic location: Xp21.1.
Variant type: Deletion.
Identifiers: ClinVar variation 1807267 (VCV001807267.1).

ClinVar aggregate classification (germline): Pathogenic (1 of 4 stars; one submission).

Submission:

Athena Diagnostics
Classification: Pathogenic. Last evaluated: 2022-08-03. Review status: criteria provided, single submitter. Criteria: Athena Diagnostics Criteria. Collection method: clinical testing. Allele origin: unknown.
Comment: This variant is expected to result in the loss of a functional protein. Similar deletions of exons 35-50 have been reported in at least two individuals with DMD, and at least one with BMD. Similar variants have not been reported in large, multi-ethnic general populations.

Literature cited by the submitters: PubMed 25972034; PubMed 33101180; PubMed 31705731.